The following is an entry in ClinVar:

ClinVar aggregate classification (germline): Uncertain significance (1 of 4 stars; one submission).

Conditions:
Catecholaminergic polymorphic ventricular tachycardia (CVPT). Also called: Catecholamine-induced polymorphic ventricular tachycardia. Identifiers: Orphanet 3286, MedGen C5574922, MONDO:0017990.

gnomAD v4.1: 3 of 1,613,884 alleles (0.00019%); highest among the groups gnomAD compares: Admixed American, 0.0033%; no homozygotes.

Submission:

All of Us Research Program, National Institutes of Health
Classification: Uncertain significance for Catecholaminergic polymorphic ventricular tachycardia. Last evaluated: 2024-05-14. Review status: criteria provided, single submitter. Criteria: ACMG Guidelines, 2015. Collection method: clinical testing. Allele origin: germline. Inheritance: Autosomal dominant inheritance. Observed: 1 variant allele, 1 heterozygote.
Comment: This missense variant replaces arginine with methionine at codon 1084 of the RYR2 protein. Computational prediction suggests that this variant may not impact protein structure and function (internally defined REVEL score threshold <= 0.5, PMID: 27666373). To our knowledge, functional studies have not been reported for this variant. This variant has not been reported in individuals affected with RYR2-related disorders in the literature. This variant has not been identified in the general population by the Genome Aggregation Database (gnomAD). The available evidence is insufficient to determine the role of this variant in disease conclusively. Therefore, this variant is classified as a Variant of Uncertain Significance.

This study involves interpretation of variants in research participants for the purpose of population health screening. Participant phenotype was not available at the time of variant classification. Additional details can be found in publication PMID: 35346344, PMCID: PMC8962531

NM_001035.3(RYR2):c.3251G>T (p.Arg1084Met)

Gene: RYR2 (ryanodine receptor 2; plus strand). Cytogenetic location: 1q43.
Variant type: single nucleotide variant.
Coding change: c.3251G>T on transcript NM_001035.3 (MANE Select); coding-DNA position 3251, G replaced by T.
Protein change: p.Arg1084Met; replaces arginine 1084 with methionine.
Molecular consequence: missense variant.
Genome position (GRCh38, 1-based): chr1:237,566,603, G>T. VCF-style: chr1-237566603-G-T. GRCh37 (hg19) VCF-style: chr1-237729903-G-T.
Other names: short protein forms R1084M.
Identifiers: ClinVar variation 3385702 (VCV003385702.1).